The following is an entry in ClinVar:

ClinVar aggregate classification (germline): Uncertain significance (1 of 4 stars; one submission).

Conditions:
Spinocerebellar ataxia, autosomal recessive, with axonal neuropathy 2 (SCAN2). Also called: Ataxia-ocular apraxia-2; Ataxia with Oculomotor Apraxia Type 2; Ataxia with Oculomotor Apraxia; ATAXIA-OCULOMOTOR APRAXIA 2. Identifiers: Orphanet 64753, MedGen C1853761, MONDO:0018996, OMIM 606002.
Amyotrophic lateral sclerosis type 4 (ALS4). Also called: NEURONOPATHY, DISTAL HEREDITARY MOTOR, WITH PYRAMIDAL FEATURES; AMYOTROPHIC LATERAL SCLEROSIS 4, JUVENILE. Identifiers: Orphanet 357043, MedGen C1865409, MONDO:0011223, OMIM 602433.

Submission:

Labcorp Genetics (formerly Invitae), Labcorp
Classification: Uncertain significance for Amyotrophic lateral sclerosis type 4; Spinocerebellar ataxia, autosomal recessive, with axonal neuropathy 2. Last evaluated: 2025-11-13. Review status: criteria provided, single submitter. Criteria: Invitae Variant Classification Sherloc (09022015). Collection method: clinical testing. Allele origin: germline.
Comment: This sequence change replaces aspartic acid, which is acidic and polar, with valine, which is neutral and non-polar, at codon 1099 of the SETX protein (p.Asp1099Val). This variant is not present in population databases (gnomAD no frequency). This variant has not been reported in the literature in individuals affected with SETX-related conditions. Invitae Evidence Modeling of protein sequence and biophysical properties (such as structural, functional, and spatial information, amino acid conservation, physicochemical variation, residue mobility, and thermodynamic stability) indicates that this missense variant is not expected to disrupt SETX protein function with a negative predictive value of 95%. In summary, the available evidence is currently insufficient to determine the role of this variant in disease. Therefore, it has been classified as a Variant of Uncertain Significance.

NM_015046.7(SETX):c.3296A>T (p.Asp1099Val)

Gene: SETX (senataxin; minus strand). Cytogenetic location: 9q34.13.
Variant type: single nucleotide variant.
Coding change: c.3296A>T on transcript NM_015046.7 (MANE Select); coding-DNA position 3296, A replaced by T.
Protein change: p.Asp1099Val; replaces aspartic acid 1099 with valine.
Molecular consequence: missense variant.
Genome position (GRCh38, 1-based): chr9:132,328,302, T>A on the plus strand (A>T on the coding strand, the complement: SETX is on the minus strand). VCF-style: chr9-132328302-T-A. GRCh37 (hg19) VCF-style: chr9-135203689-T-A.
Other names: c.3296A>T, p.Asp1099Val (NM_001351527.2, NM_001351528.2); short protein forms D1099V.
Identifiers: ClinVar variation 4795036 (VCV004795036.1).
Genomic context (GRCh38, chr9:132,328,302, plus strand): 5'-TTTGTAGTATTGGCTATAGGAGCCAAACATTTTTTCTCACCATCTTGAACTGAATTATTA[T>A]CGTCTGGATGATCTTGCCAAACTGAAAACACTTCAGATGAACTTTCAAACTCAAAACACT-3'
Protein context (NP_055861.3, residues 1089-1109): VFSVWQDHPD[Asp1099Val]NNSVQDGEKK